The following is an entry in ClinVar:

NM_000069.3(CACNA1S):c.3609+6T>C

Gene: CACNA1S (calcium voltage-gated channel subunit alpha1 S; minus strand). Cytogenetic location: 1q32.1.
Variant type: single nucleotide variant.
Coding change: c.3609+6T>C on transcript NM_000069.3 (MANE Select); 6 bases into the intron after coding-DNA position 3609, T replaced by C.
Molecular consequence: intron variant.
Genome position (GRCh38, 1-based): chr1:201,058,402, A>G on the plus strand (T>C on the coding strand, the complement: CACNA1S is on the minus strand). VCF-style: chr1-201058402-A-G. GRCh37 (hg19) VCF-style: chr1-201027530-A-G.
Identifiers: ClinVar variation 573587 (VCV000573587.37), dbSNP rs1369529387, ClinGen allele CA528313747.

ClinVar aggregate classification (germline): Uncertain significance. Review status: criteria provided, multiple submitters, no conflicts (2 of 4 stars). 7 submissions from 4 submitters: Uncertain significance (7). Last evaluated 2023-12-06.

Conditions:
Hypokalemic periodic paralysis, type 1. Also called: Hypokalemic Periodic Paralysis Type 1 (AD); HypoPP. Identifiers: Orphanet 681, MedGen C3714580, MONDO:0042979, OMIM 170400.
Malignant hyperthermia, susceptibility to, 5 (MHS5). Also called: CACNA1S-Related Malignant Hyperthermia Susceptibility. Identifiers: Orphanet 423, MedGen C1866077, MONDO:0011163, OMIM 601887.
Thyrotoxic periodic paralysis, susceptibility to, 1 (TTPP1). Identifiers: Orphanet 79102, MedGen C2749982, MONDO:0008570, OMIM 188580.
Congenital myopathy 18. Also called: Myopathy, congenital, due to dihydropyridine receptor defect; DIHYDROPYRIDINE RECEPTOR CONGENITAL MYOPATHY; DHPR CONGENITAL MYOPATHY. Identifiers: MedGen C5830283, MONDO:0859514, OMIM 620246.

Allele frequency attached by ClinVar (database versions not stated): gnomAD 0.00001; TOPMed 0.00001.

Submissions (7):

Revvity Omics, Revvity
Classification: Uncertain significance. Last evaluated: 2023-12-06. Review status: criteria provided, single submitter. Criteria: ACMG Guidelines, 2015. Collection method: clinical testing. Allele origin: germline.

Genome-Nilou Lab
Classification: Uncertain significance for Malignant hyperthermia, susceptibility to, 5. Last evaluated: 2023-04-11. Review status: criteria provided, single submitter. Criteria: ACMG Guidelines, 2015. Collection method: clinical testing. Allele origin: germline. Affected: no.

Genome-Nilou Lab
Classification: Uncertain significance for Thyrotoxic periodic paralysis, susceptibility to, 1. Last evaluated: 2023-04-11. Review status: criteria provided, single submitter. Criteria: ACMG Guidelines, 2015. Collection method: clinical testing. Allele origin: germline. Affected: no.

Genome-Nilou Lab
Classification: Uncertain significance for Congenital myopathy 18. Last evaluated: 2023-04-11. Review status: criteria provided, single submitter. Criteria: ACMG Guidelines, 2015. Collection method: clinical testing. Allele origin: germline. Affected: no.

Genome-Nilou Lab
Classification: Uncertain significance for Hypokalemic periodic paralysis, type 1. Last evaluated: 2023-04-11. Review status: criteria provided, single submitter. Criteria: ACMG Guidelines, 2015. Collection method: clinical testing. Allele origin: germline. Affected: no.

CeGaT Center for Human Genetics Tuebingen
Classification: Uncertain significance. Last evaluated: 2023-03-01. Review status: criteria provided, single submitter. Criteria: CeGaT Center For Human Genetics Tuebingen Variant Classification Criteria Version 2. Collection method: clinical testing. Allele origin: germline. Affected: yes. Observed: 1 variant allele.
Comment: CACNA1S: PM2, BP4

Labcorp Genetics (formerly Invitae), Labcorp
Classification: Uncertain significance for Hypokalemic periodic paralysis, type 1; Malignant hyperthermia, susceptibility to, 5. Last evaluated: 2021-08-28. Review status: criteria provided, single submitter. Criteria: Invitae Variant Classification Sherloc (09022015). Collection method: clinical testing. Allele origin: germline.
Comment: This sequence change falls in intron 28 of the CACNA1S gene. It does not directly change the encoded amino acid sequence of the CACNA1S protein. It affects a nucleotide within the consensus splice site of the intron. This variant is not present in population databases (ExAC no frequency). This variant has not been reported in the literature in individuals affected with CACNA1S-related conditions. Variants that disrupt the consensus splice site are a relatively common cause of aberrant splicing (PMID: 17576681, 9536098). Algorithms developed to predict the effect of sequence changes on RNA splicing suggest that this variant may disrupt the consensus splice site. In summary, the available evidence is currently insufficient to determine the role of this variant in disease. Therefore, it has been classified as a Variant of Uncertain Significance.

Literature cited by the submitters: PubMed 17576681 (cited by Labcorp Genetics (formerly Invitae), Labcorp); PubMed 9536098 (cited by Labcorp Genetics (formerly Invitae), Labcorp).